The following is an entry in ClinVar:

ClinVar aggregate classification (germline): Uncertain significance (1 of 4 stars; one submission).

Submission:

Women's Health and Genetics/Laboratory Corporation of America, LabCorp
Classification: Uncertain significance. Last evaluated: 2025-02-11. Review status: criteria provided, single submitter. Criteria: LabCorp Variant Classification Summary - May 2015. Collection method: clinical testing. Allele origin: germline.
Comment: Variant summary: NOS3 c.2551C>T (p.Pro851Ser) results in a non-conservative amino acid change located in the Ferredoxin reductase-type FAD binding domain (IPR017927) of the encoded protein sequence. Five of five in-silico tools predict a damaging effect of the variant on protein function. The variant was absent in 248842 control chromosomes. The available data on variant occurrences in the general population are insufficient to allow any conclusion about variant significance. To our knowledge, no occurrence of c.2551C>T in individuals affected with NOS3-Related Disorders and no experimental evidence demonstrating its impact on protein function have been reported. No submitters have cited clinical-significance assessments for this variant to ClinVar. Based on the evidence outlined above, the variant was classified as uncertain significance.

NM_000603.5(NOS3):c.2551C>T (p.Pro851Ser)

Gene: NOS3 (nitric oxide synthase 3; plus strand). Cytogenetic location: 7q36.1.
Variant type: single nucleotide variant.
Coding change: c.2551C>T on transcript NM_000603.5 (MANE Select); coding-DNA position 2551, C replaced by T.
Protein change: p.Pro851Ser; replaces proline 851 with serine.
Molecular consequence: missense variant.
Genome position (GRCh38, 1-based): chr7:151,010,153, C>T. VCF-style: chr7-151010153-C-T. GRCh37 (hg19) VCF-style: chr7-150707241-C-T.
Other names: short protein forms P851S.
Identifiers: ClinVar variation 3768601 (VCV003768601.1).